The following is an entry in ClinVar:

NM_006231.4(POLE):c.4729-3C>G

Gene: POLE (DNA polymerase epsilon, catalytic subunit; minus strand). Cytogenetic location: 12q24.33.
Variant type: single nucleotide variant.
Coding change: c.4729-3C>G on transcript NM_006231.4 (MANE Select); 3 bases into the intron before coding-DNA position 4729, C replaced by G.
Molecular consequence: intron variant.
Genome position (GRCh38, 1-based): chr12:132,642,732, G>C on the plus strand (C>G on the coding strand, the complement: POLE is on the minus strand). VCF-style: chr12-132642732-G-C. GRCh37 (hg19) VCF-style: chr12-133219318-G-C.
Identifiers: ClinVar variation 4141232 (VCV004141232.1).

ClinVar aggregate classification (germline): Uncertain significance (1 of 4 stars; one submission).

Conditions:
Hereditary cancer-predisposing syndrome. Also called: Hereditary neoplastic syndrome; Neoplastic Syndromes, Hereditary; Tumor predisposition; Hereditary Cancer Syndrome. Identifiers: Orphanet 140162, MedGen C0027672, MeSH D009386, MONDO:0015356.

Submission:

Ambry Genetics
Classification: Uncertain significance for Hereditary cancer-predisposing syndrome. Last evaluated: 2025-09-08. Review status: criteria provided, single submitter. Criteria: Ambry Variant Classification Scheme 2023. Collection method: clinical testing. Allele origin: germline.
Comment: The c.4729-3C>G intronic variant results from a C to G substitution 3 nucleotides upstream from coding exon 37 in the POLE gene. This nucleotide position is well conserved in available vertebrate species. In silico splice site analysis predicts that this alteration may result in the creation or strengthening of a novel splice acceptor site. Based on the available evidence, the clinical significance of this variant remains unclear.